The following is an entry in ClinVar:

NM_001184.4(ATR):c.3245G>A (p.Arg1082His)

Gene: ATR (ATR checkpoint kinase; minus strand). Cytogenetic location: 3q23.
Variant type: single nucleotide variant.
Coding change: c.3245G>A on transcript NM_001184.4 (MANE Select); coding-DNA position 3245, G replaced by A.
Protein change: p.Arg1082His; replaces arginine 1082 with histidine.
Molecular consequence: missense variant.
Genome position (GRCh38, 1-based): chr3:142,547,837, C>T on the plus strand (G>A on the coding strand, the complement: ATR is on the minus strand). VCF-style: chr3-142547837-C-T. GRCh37 (hg19) VCF-style: chr3-142266679-C-T.
Other names: c.3053G>A, p.Arg1018His (NM_001354579.2); short protein forms R1018H, R1082H.
Identifiers: ClinVar variation 1520337 (VCV001520337.7), dbSNP rs146504354, ClinGen allele CA2650169.

ClinVar aggregate classification (germline): Uncertain significance. Review status: criteria provided, multiple submitters, no conflicts (2 of 4 stars). 2 submissions from 2 submitters: Uncertain significance (2). Last evaluated 2026-01-25.

Conditions:
Familial cutaneous telangiectasia and oropharyngeal predisposition cancer syndrome. Identifiers: Orphanet 313846, MedGen C3281203, MONDO:0013806, OMIM 614564.
Seckel syndrome 1 (SCKL1). Also called: MICROCEPHALIC PRIMORDIAL DWARFISM I. Identifiers: Orphanet 808, MedGen C4551474, MONDO:0008869, OMIM 210600.

Allele frequency attached by ClinVar (database versions not stated): ExAC 0.00007; gnomAD exomes 0.00007 and 0.00012; TOPMed 0.00007; gnomAD 0.00010 and 0.00011; ESP Exome Variant Server 0.00015.
gnomAD v4.1: 192 of 1,613,768 alleles (0.012%); highest among the groups gnomAD compares: Non-Finnish European, 0.014%; no homozygotes.

Submissions (2):

Labcorp Genetics (formerly Invitae), Labcorp
Classification: Uncertain significance. Last evaluated: 2026-01-25. Review status: criteria provided, single submitter. Criteria: Invitae Variant Classification Sherloc (09022015). Collection method: clinical testing. Allele origin: germline.
Comment: This sequence change replaces arginine, which is basic and polar, with histidine, which is basic and polar, at codon 1082 of the ATR protein (p.Arg1082His). This variant is present in population databases (rs146504354, gnomAD 0.01%). This variant has not been reported in the literature in individuals affected with ATR-related conditions. ClinVar contains an entry for this variant (Variation ID: 1520337). An algorithm developed to predict the effect of missense changes on protein structure and function (PolyPhen-2) suggests that this variant is likely to be disruptive. In summary, the available evidence is currently insufficient to determine the role of this variant in disease. Therefore, it has been classified as a Variant of Uncertain Significance.

Fulgent Genetics
Classification: Uncertain significance for Seckel syndrome 1; Familial cutaneous telangiectasia and oropharyngeal predisposition cancer syndrome. Last evaluated: 2024-03-13. Review status: criteria provided, single submitter. Criteria: ACMG Guidelines, 2015. Collection method: clinical testing. Allele origin: germline.